The following is an entry in ClinVar:

NM_001130823.3(DNMT1):c.2791G>A (p.Glu931Lys)

Gene: DNMT1 (DNA methyltransferase 1; minus strand). Cytogenetic location: 19p13.2.
Variant type: single nucleotide variant.
Coding change: c.2791G>A on transcript NM_001130823.3 (MANE Select); coding-DNA position 2791, G replaced by A.
Protein change: p.Glu931Lys; replaces glutamic acid 931 with lysine.
Molecular consequence: missense variant.
Genome position (GRCh38, 1-based): chr19:10,146,454, C>T on the plus strand (G>A on the coding strand, the complement: DNMT1 is on the minus strand). VCF-style: chr19-10146454-C-T. GRCh37 (hg19) VCF-style: chr19-10257130-C-T.
Other names: c.2428G>A, p.Glu810Lys (NM_001318731.2); c.2743G>A, p.Glu915Lys (NM_001379.4, NM_001318730.2); c.2791G>A (LRG_362t1); short protein forms E931K, E915K, E810K.
Identifiers: ClinVar variation 440984 (VCV000440984.4), dbSNP rs767511749, ClinGen allele CA9187938.

ClinVar aggregate classification (germline): Uncertain significance (1 of 4 stars; one submission).

Conditions:
Hereditary sensory neuropathy-deafness-dementia syndrome. Also called: NEUROPATHY, HEREDITARY SENSORY, WITH HEARING LOSS AND DEMENTIA; Hereditary Sensory and Autonomic Neuropathy Type 1E (HSAN1E); HSN IE; Hereditary sensory neuropathy type IE. Identifiers: Orphanet 456318, MedGen C3279885, MONDO:0013584, OMIM 614116.
DNMT1-related disorder. Also called: DNMT1-related condition. Identifiers: MedGen CN381527.

Allele frequency attached by ClinVar (database versions not stated): gnomAD exomes below 0.00001 and 0.00001; ExAC 0.00001; gnomAD 0.00001.
gnomAD v4.1: 12 of 1,614,008 alleles (0.00074%); highest among the groups gnomAD compares: African/African-American, 0.0013%; no homozygotes.

Submission:

Labcorp Genetics (formerly Invitae), Labcorp
Classification: Uncertain significance for Hereditary sensory neuropathy-deafness-dementia syndrome. Last evaluated: 2022-10-26. Review status: criteria provided, single submitter. Criteria: Invitae Variant Classification Sherloc (09022015). Collection method: clinical testing. Allele origin: germline.
Comment: This sequence change replaces glutamic acid, which is acidic and polar, with lysine, which is basic and polar, at codon 931 of the DNMT1 protein (p.Glu931Lys). This variant is present in population databases (rs767511749, gnomAD 0.004%). This variant has not been reported in the literature in individuals affected with DNMT1-related conditions. ClinVar contains an entry for this variant (Variation ID: 440984). Advanced modeling of protein sequence and biophysical properties (such as structural, functional, and spatial information, amino acid conservation, physicochemical variation, residue mobility, and thermodynamic stability) performed at Invitae indicates that this missense variant is not expected to disrupt DNMT1 protein function. In summary, the available evidence is currently insufficient to determine the role of this variant in disease. Therefore, it has been classified as a Variant of Uncertain Significance.